The following is an entry in ClinVar:

ClinVar aggregate classification (germline): Pathogenic (1 of 4 stars; one submission).

Conditions:
Tuberous sclerosis syndrome (TSC). Also called: Tuberous sclerosis; Tuberous Sclerosis Complex. Identifiers: Orphanet 805, MedGen C0041341, MONDO:0001734.

Submission:

Cambridge Genomics Laboratory, East Genomic Laboratory Hub, NHS Genomic Medicine Service
Classification: Pathogenic for Tuberous sclerosis. Last evaluated: 2026-10-12. Review status: criteria provided, single submitter. Criteria: ACGS Best Practice Guidelines for Variant Classification in Rare Disease 2020. Collection method: clinical testing. Allele origin: germline. Affected: yes.
Comment: PVS1,PM2

NM_000368.5(TSC1):c.1153G>T (p.Gly385Ter)

Gene: TSC1 (TSC complex subunit 1; minus strand). Cytogenetic location: 9q34.13.
Variant type: single nucleotide variant.
Coding change: c.1153G>T on transcript NM_000368.5 (MANE Select); coding-DNA position 1153, G replaced by T.
Protein change: p.Gly385Ter; replaces glycine 385 with a stop codon.
Molecular consequence: nonsense. On other transcripts: non-coding transcript variant (5).
Genome position (GRCh38, 1-based): chr9:132,910,681, C>A on the plus strand (G>T on the coding strand, the complement: TSC1 is on the minus strand). VCF-style: chr9-132910681-C-A. GRCh37 (hg19) VCF-style: chr9-135786068-C-A.
Other names: c.1150G>T, p.Gly384Ter (NM_001162426.2, NM_001406597.1, NM_001406598.1 and 6 more transcripts); c.1000G>T, p.Gly334Ter (NM_001162427.2, NM_001406610.1); c.790G>T, p.Gly264Ter (NM_001362177.2, NM_001406614.1, NM_001406615.1 and 5 more transcripts); c.1153G>T, p.Gly385Ter (NM_001406592.1, NM_001406593.1, NM_001406594.1 and 7 more transcripts); c.997G>T, p.Gly333Ter (NM_001406611.1, NM_001406612.1, NM_001406613.1); c.787G>T, p.Gly263Ter (NM_001406620.1, NM_001406621.1, NM_001406622.1 and 2 more transcripts); c.202G>T, p.Gly68Ter (NM_001406626.1); c.199G>T, p.Gly67Ter (NM_001406627.1, NM_001406628.1); and 1 more; short protein forms G263*, G264*, G333*, G334*, G34*, G384*, G385*, G67*.
Identifiers: ClinVar variation 5016525 (VCV005016525.1).